The following is an entry in ClinVar:

ClinVar aggregate classification (germline): Uncertain significance (1 of 4 stars; one submission).

gnomAD v4.1: 1 of 1,561,084 alleles (0.000064%); no homozygotes.

Submission:

GeneDx
Classification: Uncertain significance. Last evaluated: 2026-10-07. Review status: criteria provided, single submitter. Criteria: GeneDx Variant Classification Process June 2021. Collection method: clinical testing. Allele origin: germline.
Comment: Not observed at significant frequency in large population cohorts (gnomAD); In silico analysis supports that this missense variant has a deleterious effect on protein structure/function; Has not been previously published as pathogenic or benign to our knowledge

NM_003119.4(SPG7):c.188T>C (p.Leu63Ser)

Gene: SPG7 (SPG7 matrix AAA peptidase subunit, paraplegin; plus strand). Cytogenetic location: 16q24.3.
Variant type: single nucleotide variant.
Coding change: c.188T>C on transcript NM_003119.4 (MANE Select); coding-DNA position 188, T replaced by C.
Protein change: p.Leu63Ser; replaces leucine 63 with serine.
Molecular consequence: missense variant.
Genome position (GRCh38, 1-based): chr16:89,510,494, T>C. VCF-style: chr16-89510494-T-C. GRCh37 (hg19) VCF-style: chr16-89576902-T-C.
Other names: c.188T>C, p.Leu63Ser (NM_001363850.1, NM_199367.3); short protein forms L63S.
Identifiers: ClinVar variation 3898919 (VCV003898919.2).